The following is an entry in ClinVar:

NM_002691.4(POLD1):c.2068C>T (p.Gln690Ter)

Gene: POLD1 (DNA polymerase delta 1, catalytic subunit; plus strand). Cytogenetic location: 19q13.33.
Variant type: single nucleotide variant.
Coding change: c.2068C>T on transcript NM_002691.4 (MANE Select); coding-DNA position 2068, C replaced by T.
Protein change: p.Gln690Ter; replaces glutamine 690 with a stop codon.
Molecular consequence: nonsense. On other transcripts: non-coding transcript variant (1).
Genome position (GRCh38, 1-based): chr19:50,409,580, C>T. VCF-style: chr19-50409580-C-T. GRCh37 (hg19) VCF-style: chr19-50912837-C-T.
Other names: c.2068C>T, p.Gln690Ter (NM_001256849.1); c.2146C>T, p.Gln716Ter (NM_001308632.1); short protein forms Q690*, Q716*.
Identifiers: ClinVar variation 1470419 (VCV001470419.6), dbSNP rs2122387071, ClinGen allele CA406982555.

ClinVar aggregate classification (germline): Uncertain significance (1 of 4 stars; one submission).

Conditions:
POLD1-related polyposis and colorectal cancer syndrome (CRCS10). Also called: Colorectal cancer 10; COLORECTAL CANCER, SUSCEPTIBILITY TO, ON CHROMOSOME 19q; Colorectal cancer, susceptibility to, 10. Identifiers: Orphanet 220460, MedGen C2675481, MONDO:0012953, OMIM 612591.

Submission:

Labcorp Genetics (formerly Invitae), Labcorp
Classification: Uncertain significance for POLD1-related polyposis and colorectal cancer syndrome. Last evaluated: 2024-07-21. Review status: criteria provided, single submitter. Criteria: Invitae Variant Classification Sherloc (09022015). Collection method: clinical testing. Allele origin: germline.
Comment: This sequence change creates a premature translational stop signal (p.Gln690*) in the POLD1 gene. Missense variants that disrupt the 3'-5' exonuclease (proof-reading) activity of the POLD1 protein are associated with PPAP (polymerase proofreading–associated polyposis) (PMID: 23263490, 23447401). However, loss-of-function variants that result in an absent or severely disrupted POLD1 protein, and missense variants outside the exonuclease domain, are unlikely to be associated with PPAP. This variant is not present in population databases (gnomAD no frequency). This variant has not been reported in the literature in individuals affected with POLD1-related conditions. ClinVar contains an entry for this variant (Variation ID: 1470419). In summary, the available evidence is currently insufficient to determine the role of this variant in disease. Therefore, it has been classified as a Variant of Uncertain Significance.

Literature cited by the submitters: PubMed 23263490; PubMed 23447401.